The following is an entry in ClinVar:

ClinVar aggregate classification (germline): Uncertain significance (1 of 4 stars; one submission).

Conditions:
Tumor predisposition syndrome 3 (TPDS3). Also called: Melanoma, cutaneous malignant, susceptibility to, 10; Glioma susceptibility 9; LONG TELOMERE SYNDROME, POT1-RELATED; POT1 Tumor Predisposition. Identifiers: Orphanet 618, MedGen C4014476, MONDO:0014368, OMIM 615848.

Submission:

Labcorp Genetics (formerly Invitae), Labcorp
Classification: Uncertain significance for Tumor predisposition syndrome 3. Last evaluated: 2019-05-14. Review status: criteria provided, single submitter. Criteria: Invitae Variant Classification Sherloc (09022015). Collection method: clinical testing. Allele origin: germline.
Comment: This sequence change replaces tyrosine with histidine at codon 161 of the POT1 protein (p.Tyr161His). The tyrosine residue is moderately conserved and there is a moderate physicochemical difference between tyrosine and histidine. This variant is not present in population databases (ExAC no frequency). This variant has not been reported in the literature in individuals with POT1-related conditions. Algorithms developed to predict the effect of missense changes on protein structure and function are either unavailable or do not agree on the potential impact of this missense change (SIFT: "Deleterious"; PolyPhen-2: "Possibly Damaging"; Align-GVGD: "Class C0"). In summary, the available evidence is currently insufficient to determine the role of this variant in disease. Therefore, it has been classified as a Variant of Uncertain Significance.

NM_015450.3(POT1):c.481T>C (p.Tyr161His)

Gene: POT1 (protection of telomeres 1; minus strand). Cytogenetic location: 7q31.33.
Variant type: single nucleotide variant.
Coding change: c.481T>C on transcript NM_015450.3 (MANE Select); coding-DNA position 481, T replaced by C.
Protein change: p.Tyr161His; replaces tyrosine 161 with histidine.
Molecular consequence: missense variant. On other transcripts: non-coding transcript variant (3).
Genome position (GRCh38, 1-based): chr7:124,863,415, A>G on the plus strand (T>C on the coding strand, the complement: POT1 is on the minus strand). VCF-style: chr7-124863415-A-G. GRCh37 (hg19) VCF-style: chr7-124503469-A-G.
Other names: c.88T>C, p.Tyr30His (NM_001042594.2); short protein forms Y161H, Y30H.
Identifiers: ClinVar variation 952689 (VCV000952689.10), dbSNP rs1795646570, ClinGen allele CA369058988.